The following is an entry in ClinVar:

ClinVar aggregate classification (germline): Uncertain significance. Review status: criteria provided, multiple submitters, no conflicts (2 of 4 stars). 5 submissions from 5 submitters: Uncertain significance (5). Last evaluated 2026-05-08.

Conditions:
Epidermolysis bullosa simplex 5B, with muscular dystrophy (EBS5B). Also called: Epidermolysis bullosa simplex with muscular dystrophy; EPIDERMOLYSIS BULLOSA SIMPLEX AND LIMB-GIRDLE MUSCULAR DYSTROPHY. Identifiers: Orphanet 257, MedGen C2931072, MONDO:0009181, OMIM 226670.
Autosomal recessive limb-girdle muscular dystrophy type 2Q (LGMDR17). Also called: MUSCULAR DYSTROPHY, LIMB-GIRDLE, AUTOSOMAL RECESSIVE 17. Identifiers: Orphanet 254361, MedGen C3150989, MONDO:0013390, OMIM 613723.
Epidermolysis bullosa simplex 5C, with pyloric atresia (EBS5C). Also called: PLEC-Related Epidermolysis Bullosa with Pyloric Atresia; PLEC1-Related Epidermolysis Bullosa with Pyloric Atresia; Epidermolysis bullosa simplex with pyloric atresia. Identifiers: Orphanet 158684, MedGen C2677349, MONDO:0012807, OMIM 612138.
Epidermolysis bullosa simplex, Ogna type (EBS5A). Also called: Pidermolysis bullosa simplex 5A, Ogna type; EPIDERMOLYSIS BULLOSA SIMPLEX 5A, OGNA TYPE. Identifiers: Orphanet 79401, MedGen C0432317, MONDO:0007555, OMIM 131950.
Epidermolysis bullosa simplex with nail dystrophy (EBS5D). Identifiers: MedGen C4225309, MONDO:0014661, OMIM 616487.
Inborn genetic diseases. Identifiers: MedGen C0950123, MeSH D030342.
PLEC-related disorder. Also called: PLEC-related condition; PLEC-related disorders.

Allele frequency attached by ClinVar (database versions not stated): TOPMed 0.00011; gnomAD 0.00014 and 0.00015; 1000 Genomes Project 30x 0.00016; gnomAD exomes 0.00016; 1000 Genomes Project 0.00020; ExAC 0.00025.
gnomAD v4.1: 83 of 1,588,362 alleles (0.0052%); highest among the groups gnomAD compares: Admixed American, 0.051%; no homozygotes.

Submissions (5):

PreventionGenetics, part of Exact Sciences
Classification: Uncertain significance for PLEC-related condition. Last evaluated: 2026-05-08. Review status: criteria provided, single submitter. Criteria: ACMG Guidelines, 2015. Collection method: clinical testing. Allele origin: germline.
Comment: The PLEC c.11579C>T variant is predicted to result in the amino acid substitution p.Thr3860Met. To our knowledge, this variant has not been reported in the literature. This variant is reported in 0.049% of alleles in individuals of Latino descent in gnomAD. At this time, the clinical significance of this variant is uncertain due to the absence of conclusive functional and genetic evidence.

Labcorp Genetics (formerly Invitae), Labcorp
Classification: Uncertain significance for Autosomal recessive limb-girdle muscular dystrophy type 2Q; Epidermolysis bullosa simplex, Ogna type; Epidermolysis bullosa simplex with nail dystrophy; Epidermolysis bullosa simplex 5C, with pyloric atresia; Epidermolysis bullosa simplex 5B, with muscular dystrophy. Last evaluated: 2025-09-28. Review status: criteria provided, single submitter. Criteria: Invitae Variant Classification Sherloc (09022015). Collection method: clinical testing. Allele origin: germline.
Comment: This sequence change replaces threonine, which is neutral and polar, with methionine, which is neutral and non-polar, at codon 3860 of the PLEC protein (p.Thr3860Met). This variant is present in population databases (rs189389994, gnomAD 0.06%). This variant has not been reported in the literature in individuals affected with PLEC-related conditions. ClinVar contains an entry for this variant (Variation ID: 597430). An algorithm developed to predict the effect of missense changes on protein structure and function (PolyPhen-2) suggests that this variant is likely to be disruptive. In summary, the available evidence is currently insufficient to determine the role of this variant in disease. Therefore, it has been classified as a Variant of Uncertain Significance.

Athena Diagnostics
Classification: Uncertain significance. Last evaluated: 2024-07-10. Review status: criteria provided, single submitter. Criteria: Athena Diagnostics Criteria. Collection method: clinical testing. Allele origin: unknown.

Ambry Genetics
Classification: Uncertain significance for Inborn genetic diseases. Last evaluated: 2023-12-18. Review status: criteria provided, single submitter. Criteria: Ambry Variant Classification Scheme 2023. Collection method: clinical testing. Allele origin: germline.

Eurofins Ntd Llc (ga)
Classification: Uncertain significance. Last evaluated: 2018-06-05. Review status: criteria provided, single submitter. Criteria: EGL ClinVar v180209 classification definitions. Collection method: clinical testing. Allele origin: germline. Observed: 1 variant allele, 1 heterozygote.

NM_201384.3(PLEC):c.11498C>T (p.Thr3833Met)

Gene: PLEC (plectin; minus strand). Cytogenetic location: 8q24.3.
Variant type: single nucleotide variant.
Coding change: c.11498C>T on transcript NM_201384.3 (MANE Select); coding-DNA position 11498, C replaced by T.
Protein change: p.Thr3833Met; replaces threonine 3833 with methionine.
Molecular consequence: missense variant.
Genome position (GRCh38, 1-based): chr8:143,918,323, G>A on the plus strand (C>T on the coding strand, the complement: PLEC is on the minus strand). VCF-style: chr8-143918323-G-A. GRCh37 (hg19) VCF-style: chr8-144992491-G-A.
Other names: c.11579C>T, p.Thr3860Met (NM_000445.5); c.11456C>T, p.Thr3819Met (NM_201378.4); c.11432C>T, p.Thr3811Met (NM_201379.3); c.11909C>T, p.Thr3970Met (NM_201380.4); c.11402C>T, p.Thr3801Met (NM_201381.3); c.11498C>T, p.Thr3833Met (NM_201382.4); c.11510C>T, p.Thr3837Met (NM_201383.3); c.11579C>T (NM_000445.3); short protein forms T3801M, T3970M, T3819M, T3833M, T3860M, T3811M, T3837M.
Identifiers: ClinVar variation 597430 (VCV000597430.16), dbSNP rs189389994, ClinGen allele CA4924338.
Genomic context (GRCh38, chr8:143,918,323, plus strand): 5'-TCGTCGGTGGACGGGTCCACGTAGCTGCGCACCTCGCTGGGCTCTGACAGCTGGTCGTGC[G>A]TGTCCTTGTTGAGGTAGCCACGCTGGTAAGCCACCTCCAGGGGAAGGTGGAAGCCCAGGC-3'
Protein context (NP_958786.1, residues 3823-3843): AYQRGYLNKD[Thr3833Met]HDQLSEPSEV